The following is an entry in ClinVar:

ClinVar aggregate classification (germline): Likely benign (0 of 4 stars; one submission).

Conditions:
TKT-related disorder. Also called: TKT-related condition.

Allele frequency attached by ClinVar (database versions not stated): ESP Exome Variant Server 0.00008; 1000 Genomes Project 30x 0.00016; 1000 Genomes Project 0.00020.
gnomAD v4.1: 52 of 1,613,920 alleles (0.0032%); highest among the groups gnomAD compares: Admixed American, 0.01%; no homozygotes.

Submission:

PreventionGenetics, part of Exact Sciences
Classification: Likely benign for TKT-related condition. Last evaluated: 2019-08-06. Review status: no assertion criteria provided. Collection method: clinical testing. Allele origin: germline.
Comment: This variant is classified as likely benign based on ACMG/AMP sequence variant interpretation guidelines (Richards et al. 2015 PMID: 25741868, with internal and published modifications).

NM_001064.4(TKT):c.576G>A (p.Pro192=)

Gene: TKT (transketolase; minus strand). Cytogenetic location: 3p21.1.
Variant type: single nucleotide variant.
Coding change: c.576G>A on transcript NM_001064.4 (MANE Select); coding-DNA position 576, G replaced by A.
Protein change: p.Pro192=; no amino-acid change (proline 192 retained).
Molecular consequence: synonymous variant. On other transcripts: non-coding transcript variant (1).
Genome position (GRCh38, 1-based): chr3:53,235,036, C>T on the plus strand (G>A on the coding strand, the complement: TKT is on the minus strand). VCF-style: chr3-53235036-C-T. GRCh37 (hg19) VCF-style: chr3-53269052-C-T.
Other names: c.576G>A, p.Pro192= (NM_001135055.3); c.600G>A, p.Pro200= (NM_001258028.2).
Identifiers: ClinVar variation 3035207 (VCV003035207.2), dbSNP rs201348801, ClinGen allele CA2452837.